The following is an entry in ClinVar:

ClinVar aggregate classification (germline): Uncertain significance (1 of 4 stars; one submission).

Conditions:
Deficiency of malonyl-CoA decarboxylase. Also called: Malonic aciduria; MCD deficiency. Identifiers: Orphanet 943, MedGen C0342793, MONDO:0009556, OMIM 248360.

Allele frequency attached by ClinVar (database versions not stated): TOPMed below 0.00001; gnomAD 0.00001; 1000 Genomes Project 30x 0.00016; 1000 Genomes Project 0.00020.
gnomAD v4.1: 3 of 1,614,198 alleles (0.00019%); highest among the groups gnomAD compares: East Asian, 0.0045%; no homozygotes.

Submission:

Labcorp Genetics (formerly Invitae), Labcorp
Classification: Uncertain significance for Deficiency of malonyl-CoA decarboxylase. Last evaluated: 2021-08-24. Review status: criteria provided, single submitter. Criteria: Invitae Variant Classification Sherloc (09022015). Collection method: clinical testing. Allele origin: germline.
Comment: This sequence change replaces serine with asparagine at codon 292 of the MLYCD protein (p.Ser292Asn). The serine residue is highly conserved and there is a small physicochemical difference between serine and asparagine. This variant is present in population databases (rs139159660, ExAC 0.02%). This variant has not been reported in the literature in individuals affected with MLYCD-related conditions. Algorithms developed to predict the effect of missense changes on protein structure and function are either unavailable or do not agree on the potential impact of this missense change (SIFT: "Deleterious"; PolyPhen-2: "Benign"; Align-GVGD: "Class C0"). In summary, the available evidence is currently insufficient to determine the role of this variant in disease. Therefore, it has been classified as a Variant of Uncertain Significance.

NM_012213.3(MLYCD):c.875G>A (p.Ser292Asn)

Genes: MLYCD (malonyl-CoA decarboxylase; plus strand), LOC126862422 (CDK7 strongly-dependent group 2 enhancer GRCh37_chr16:83945234-83946433; plus strand). Cytogenetic location: 16q23.3.
Variant type: single nucleotide variant.
Coding change: c.875G>A on transcript NM_012213.3 (MANE Select); coding-DNA position 875, G replaced by A.
Protein change: p.Ser292Asn; replaces serine 292 with asparagine.
Molecular consequence: missense variant.
Genome position (GRCh38, 1-based): chr16:83,912,294, G>A. VCF-style: chr16-83912294-G-A. GRCh37 (hg19) VCF-style: chr16-83945899-G-A.
Other names: short protein forms S292N.
Identifiers: ClinVar variation 951455 (VCV000951455.7), dbSNP rs139159660, ClinGen allele CA8197415.
Genomic context (GRCh38, chr16:83,912,294, plus strand): 5'-ATCCTCCATCAGAAACAGAAGAGAAGAACAAAATCACTGCTGCGATCTTTTATTCCATCA[G>A]CTTGACCCAGCAGGGACTCCAAGGGGTGGAGCTGGGAACATTCCTCATAAAGCGAGTCGT-3'
Protein context (NP_036345.2, residues 282-302): KITAAIFYSI[Ser292Asn]LTQQGLQGVE